The following is an entry in ClinVar:

ClinVar aggregate classification (germline): Uncertain significance (1 of 4 stars; one submission).

Conditions:
Xeroderma pigmentosum (XP). Identifiers: Orphanet 910, MedGen C0043346, MONDO:0019600.

Submission:

Sema4
Classification: Uncertain significance for Xeroderma pigmentosum. Last evaluated: 2021-10-18. Review status: criteria provided, single submitter. Criteria: Sema4 Curation Guidelines. Collection method: curation. Allele origin: germline.
Comment: The POLH c.1635T>G (p.N545K) variant has not been reported in the literature to our knowledge. It was not observed in the large and broad cohorts of the Genome Aggregation Database nor in ClinVar. In silico tools suggest the impact of the variant on protein function is benign, though these predictions have not been confirmed by functional studies. The evidence is insufficient to meet ACMG/AMP criteria for classifying the variant as benign or pathogenic. Thus, the clinical significance of this variant is currently uncertain.

NM_006502.3(POLH):c.1635T>G (p.Asn545Lys)

Gene: POLH (DNA polymerase eta; plus strand). Cytogenetic location: 6p21.1.
Variant type: single nucleotide variant.
Coding change: c.1635T>G on transcript NM_006502.3 (MANE Select); coding-DNA position 1635, T replaced by G.
Protein change: p.Asn545Lys; replaces asparagine 545 with lysine.
Molecular consequence: missense variant. On other transcripts: 3 prime UTR variant (1).
Genome position (GRCh38, 1-based): chr6:43,614,050, T>G. VCF-style: chr6-43614050-T-G. GRCh37 (hg19) VCF-style: chr6-43581787-T-G.
Other names: c.1263T>G, p.Asn421Lys (NM_001291969.2); c.*319T>G (NM_001291970.2); short protein forms N421K, N545K.
Identifiers: ClinVar variation 1692924 (VCV001692924.1), dbSNP rs2127822032, ClinGen allele CA364267020.